The following is an entry in ClinVar:

ClinVar aggregate classification (germline): Pathogenic (1 of 4 stars; one submission).

Submission:

Labcorp Genetics (formerly Invitae), Labcorp
Classification: Pathogenic. Last evaluated: 2025-08-18. Review status: criteria provided, single submitter. Criteria: Invitae Variant Classification Sherloc (09022015). Collection method: clinical testing. Allele origin: germline.
Comment: This sequence change creates a premature translational stop signal (p.Gln1236*) in the ITPR1 gene. It is expected to result in an absent or disrupted protein product. Loss-of-function variants in ITPR1 are known to be pathogenic (PMID: 27108797). This variant is not present in population databases (gnomAD no frequency). This variant has not been reported in the literature in individuals affected with ITPR1-related conditions. Algorithms developed to predict the effect of sequence changes on RNA splicing suggest that this variant may disrupt the consensus splice site. For these reasons, this variant has been classified as Pathogenic.

Literature cited by the submitters: PubMed 27108797.

NM_001378452.1(ITPR1):c.3778C>T (p.Gln1260Ter)

Gene: ITPR1 (inositol 1,4,5-trisphosphate receptor type 1; plus strand). Cytogenetic location: 3p26.1.
Variant type: single nucleotide variant.
Coding change: c.3778C>T on transcript NM_001378452.1 (MANE Select); coding-DNA position 3778, C replaced by T.
Protein change: p.Gln1260Ter; replaces glutamine 1260 with a stop codon.
Molecular consequence: nonsense.
Genome position (GRCh38, 1-based): chr3:4,688,570, C>T. VCF-style: chr3-4688570-C-T. GRCh37 (hg19) VCF-style: chr3-4730254-C-T.
Other names: c.3751C>T, p.Gln1251Ter (NM_001099952.4); c.3733C>T, p.Gln1245Ter (NM_001168272.2); c.3706C>T, p.Gln1236Ter (NM_002222.7); short protein forms Q1236*, Q1245*, Q1251*, Q1260*.
Identifiers: ClinVar variation 4719909 (VCV004719909.1).